The following is an entry in ClinVar:

ClinVar aggregate classification (germline): Likely pathogenic (1 of 4 stars; one submission).

Conditions:
Snijders Blok-Campeau syndrome. Also called: INTELLECTUAL DEVELOPMENTAL DISORDER WITH MACROCEPHALY, SPEECH DELAY, AND DYSMORPHIC FACIES. Identifiers: Orphanet 599082, MedGen C4748701, MONDO:0032600, OMIM 618205.

Submission:

Institute of Human Genetics, Clinical Exome/Genome Diagnostics Group, University Hospital Bonn
Classification: Likely pathogenic for Snijders Blok-Campeau syndrome. Last evaluated: 2022-02-04. Review status: criteria provided, single submitter. Criteria: ACMG Guidelines, 2015. Collection method: clinical testing. Allele origin: inherited. Affected: yes.
Comment: PVS1, PM2

NM_001005273.3(CHD3):c.5796_5800dup (p.Ala1934fs)

Gene: CHD3 (chromodomain helicase DNA binding protein 3; plus strand). Cytogenetic location: 17p13.1.
Variant type: Duplication.
Coding change: c.5796_5800dup on transcript NM_001005273.3 (MANE Select); coding-DNA positions 5796 to 5800, 5 bases duplicated (GGCGG; older notation c.5796_5800dupGGCGG).
Protein change: p.Ala1934fs; shifts the reading frame from alanine 1934.
Molecular consequence: frameshift variant.
Genome position (GRCh38, 1-based): chr17:7,910,888-7,910,892, GGCGG duplicated; duplicating any 5 consecutive bases within chr17:7,910,885-7,910,892 gives the same sequence; the c. name uses the placement nearest the transcript's 3' end. VCF-style (leftmost placement, unchanged base first): chr17-7910884-A-ACGGGG. GRCh37 (hg19) VCF-style: chr17-7814202-A-ACGGGG.
Other names: c.5973_5977dup, p.Ala1993fs (NM_001005271.3); c.5694_5698dup, p.Ala1900fs (NM_005852.4); short protein forms A1900fs, A1934fs, A1993fs.
Identifiers: ClinVar variation 1343252 (VCV001343252.1), dbSNP rs2151687226, ClinGen allele CA2573054596.